The following is an entry in ClinVar:

ClinVar aggregate classification (germline): Uncertain significance (1 of 4 stars; one submission).

Submission:

Ambry Genetics
Classification: Uncertain significance. Last evaluated: 2025-09-10. Review status: criteria provided, single submitter. Criteria: Ambry Variant Classification Scheme 2023. Collection method: clinical testing. Allele origin: germline.
Comment: The p.G253V variant (also known as c.758G>T), located in coding exon 6 of the RINT1 gene, results from a G to T substitution at nucleotide position 758. The glycine at codon 253 is replaced by valine, an amino acid with dissimilar properties. This amino acid position is conserved. In addition, this alteration is predicted to be tolerated by in silico analysis. Based on the available evidence, the clinical significance of this variant remains unclear.

NM_021930.6(RINT1):c.758G>T (p.Gly253Val)

Gene: RINT1 (RAD50 interactor 1; plus strand). Cytogenetic location: 7q22.3.
Variant type: single nucleotide variant.
Coding change: c.758G>T on transcript NM_021930.6 (MANE Select); coding-DNA position 758, G replaced by T.
Protein change: p.Gly253Val; replaces glycine 253 with valine.
Molecular consequence: missense variant. On other transcripts: 5 prime UTR variant (2), non-coding transcript variant (1), intron variant (1).
Genome position (GRCh38, 1-based): chr7:105,547,252, G>T. VCF-style: chr7-105547252-G-T. GRCh37 (hg19) VCF-style: chr7-105187699-G-T.
Other names: c.524G>T, p.Gly175Val (NM_001346599.2); c.-262G>T (NM_001346600.2); c.-165G>T (NM_001346601.2); c.-27-2803G>T (NM_001346603.2); short protein forms G175V, G253V.
Identifiers: ClinVar variation 4154631 (VCV004154631.1).
Genomic context (GRCh38, chr7:105,547,252, plus strand): 5'-AGGAAATTTTAGCACAGCTTCATTGGCCATTCATCGCACCCCCTCAATCACAAACTGTTG[G>T]CTTAAGTCGACCTGCCAGTGCCCCGGAGATATACAGTTACCTGGAGACACTGTTTTGTCA-3'
Protein context (NP_068749.3, residues 243-263): FIAPPQSQTV[Gly253Val]LSRPASAPEI